The following is an entry in ClinVar:

NM_033028.5(BBS4):c.805A>T (p.Ser269Cys)

Gene: BBS4 (Bardet-Biedl syndrome 4; plus strand). Cytogenetic location: 15q24.1.
Variant type: single nucleotide variant.
Coding change: c.805A>T on transcript NM_033028.5 (MANE Select); coding-DNA position 805, A replaced by T.
Protein change: p.Ser269Cys; replaces serine 269 with cysteine.
Molecular consequence: missense variant. On other transcripts: non-coding transcript variant (2).
Genome position (GRCh38, 1-based): chr15:72,731,398, A>T. VCF-style: chr15-72731398-A-T. GRCh37 (hg19) VCF-style: chr15-73023739-A-T.
Other names: c.289A>T, p.Ser97Cys (NM_001252678.2); c.736A>T, p.Ser246Cys (NM_001320665.2); short protein forms S246C, S269C, S97C.
Identifiers: ClinVar variation 1050687 (VCV001050687.1), dbSNP rs917260700, ClinGen allele CA393078534.

ClinVar aggregate classification (germline): Uncertain significance (0 of 4 stars; one submission).

Submission:

Department of Pathology and Laboratory Medicine, Sinai Health System
Classification: Uncertain significance. Review status: no assertion criteria provided. Collection method: clinical testing. Allele origin: unknown. Affected: yes. Study: The Canadian Open Genetics Repository (COGR).
Comment: The BBS4 p.Ser246Cys variant was not identified in the literature nor was it identified in dbSNP, ClinVar, Cosmic or LOVD 3.0 databases. The variant was also not identified in the following control databases: the 1000 Genomes Project, the NHLBI GO Exome Sequencing Project, the Exome Aggregation Consortium (August 8th 2016), or the Genome Aggregation Database (Feb 27, 2017). The variant occurs outside of the splicing consensus sequence and in silico or computational prediction software programs (SpliceSiteFinder, MaxEntScan, NNSPLICE, GeneSplicer) do not predict a difference in splicing. The p.Ser246 residue is conserved in mammals and computational analyses (PolyPhen-2, SIFT, AlignGVGD, BLOSUM, MutationTaster) provide inconsistent predictions regarding the impact to the protein; this information is not very predictive of pathogenicity. In summary, based on the above information the clinical significance of this variant cannot be determined with certainty at this time. This variant is classified as a variant of uncertain significance.